The following is an entry in ClinVar:

Conditions:
Breast-ovarian cancer, familial, susceptibility to, 1 (BROVCA1). Also called: BRCA1 Hereditary Breast and Ovarian Cancer; OVARIAN CANCER, SUSCEPTIBILITY TO. Identifiers: Orphanet 145, MedGen C2676676, MONDO:0011450, OMIM 604370. Disease mechanism: loss of function.

Submission:

Brotman Baty Institute, University of Washington
No classification provided (evidence only). Condition: Breast-ovarian cancer, familial 1. Review status: no classification provided. Collection method: in vitro. Allele origin: not applicable. Functional consequence: functionally_abnormal.
ClinVar note: "not provided" was previously submitted as the classification for the variant. However, the classification appeared to be based only on an observation of functional data so it was converted to no classification on 2025-07-30.

NM_007294.4(BRCA1):c.5245C>T (p.Pro1749Ser)

Gene: BRCA1 (BRCA1 DNA repair associated; minus strand). Cytogenetic location: 17q21.31.
Variant type: single nucleotide variant.
Coding change: c.5245C>T on transcript NM_007294.4 (MANE Select); coding-DNA position 5245, C replaced by T.
Protein change: p.Pro1749Ser; replaces proline 1749 with serine.
Molecular consequence: missense variant. On other transcripts: non-coding transcript variant (1).
Genome position (GRCh38, 1-based): chr17:43,057,084, G>A on the plus strand (C>T on the coding strand, the complement: BRCA1 is on the minus strand). VCF-style: chr17-43057084-G-A. GRCh37 (hg19) VCF-style: chr17-41209101-G-A.
Other names: c.5032C>T, p.Pro1678Ser (NM_001407571.1, NM_001407900.1, NM_001407902.1 and 12 more transcripts); c.5311C>T, p.Pro1771Ser (NM_001407581.1, NM_001407582.1); c.5308C>T, p.Pro1770Ser (NM_001407583.1, NM_001407585.1, NM_001407587.1 and 1 more transcripts); c.5242C>T, p.Pro1748Ser (NM_001407610.1, NM_001407611.1, NM_001407612.1 and 17 more transcripts); c.5239C>T, p.Pro1747Ser (NM_001407629.1, NM_001407630.1, NM_001407631.1 and 14 more transcripts); c.5185C>T, p.Pro1729Ser (NM_001407649.1); c.5167C>T, p.Pro1723Ser (NM_001407652.1, NM_001407653.1, NM_001407654.1 and 1 more transcripts); c.5164C>T, p.Pro1722Ser (NM_001407656.1, NM_001407657.1, NM_001407658.1); and 72 more; short protein forms P1702S, P1749S, P645S, P1770S, P1452S, P1580S, P1595S, P1622S.
Identifiers: ClinVar variation 868221 (VCV000868221.3), dbSNP rs397509244, ClinGen allele CA10591056.